The following is an entry in ClinVar:

NM_021785.6(RAI2):c.623_634del (p.Gly208_Pro211del)

Gene: RAI2 (retinoic acid induced 2; minus strand). Cytogenetic location: Xp22.13.
Variant type: Deletion.
Coding change: c.623_634del on transcript NM_021785.6 (MANE Select); coding-DNA positions 623 to 634, 12 bases deleted (GCTATGCCCCTG).
Protein change: p.Gly208_Pro211del.
Molecular consequence: inframe deletion. On other transcripts: non-coding transcript variant (2).
Genome position (GRCh38, 1-based): chrX:17,801,377-17,801,388, CAGGGGCATAGC deleted on the plus strand (GCTATGCCCCTG on the coding strand, the reverse complement: RAI2 is on the minus strand); deleting any 12 consecutive bases within chrX:17,801,377-17,801,392 gives the same sequence; the c. name uses the placement nearest the transcript's 3' end. VCF-style (leftmost placement, unchanged base first): chrX-17801376-ACAGGGGCATAGC-A. GRCh37 (hg19) VCF-style: chrX-17819496-ACAGGGGCATAGC-A.
Other names: c.473_484del, p.Gly158_Pro161del (NM_001172732.2); c.623_634del, p.Gly208_Pro211del (NM_001172739.2, NM_001172743.2).
Identifiers: ClinVar variation 2660093 (VCV002660093.24), dbSNP rs779435944, ClinGen allele CA10359267.

ClinVar aggregate classification (germline): Likely benign (1 of 4 stars; one submission).

Submission:

CeGaT Center for Human Genetics Tuebingen
Classification: Likely benign. Last evaluated: 2023-04-01. Review status: criteria provided, single submitter. Criteria: CeGaT Center For Human Genetics Tuebingen Variant Classification Criteria Version 2. Collection method: clinical testing. Allele origin: germline. Affected: yes. Observed: 1 variant allele.
Comment: RAI2: BS2